The following is an entry in ClinVar:

ClinVar aggregate classification (germline): Uncertain significance (1 of 4 stars; one submission).

Allele frequency attached by ClinVar (database versions not stated): TOPMed below 0.00001; gnomAD 0.00001.
gnomAD v4.1: 2 of 1,611,886 alleles (0.00012%); highest among the groups gnomAD compares: African/African-American, 0.0027%; no homozygotes.

Submission:

Labcorp Genetics (formerly Invitae), Labcorp
Classification: Uncertain significance. Last evaluated: 2022-08-19. Review status: criteria provided, single submitter. Criteria: Invitae Variant Classification Sherloc (09022015). Collection method: clinical testing. Allele origin: germline.
Comment: This sequence change replaces glutamine, which is neutral and polar, with histidine, which is basic and polar, at codon 275 of the MTFMT protein (p.Gln275His). This variant is not present in population databases (gnomAD no frequency). This variant has not been reported in the literature in individuals affected with MTFMT-related conditions. Algorithms developed to predict the effect of missense changes on protein structure and function are either unavailable or do not agree on the potential impact of this missense change (SIFT: "Tolerated"; PolyPhen-2: "Probably Damaging"; Align-GVGD: "Class C0"). Algorithms developed to predict the effect of sequence changes on RNA splicing suggest that this variant may disrupt the consensus splice site. In summary, the available evidence is currently insufficient to determine the role of this variant in disease. Therefore, it has been classified as a Variant of Uncertain Significance.

NM_139242.4(MTFMT):c.825G>C (p.Gln275His)

Gene: MTFMT (mitochondrial methionyl-tRNA formyltransferase; minus strand). Cytogenetic location: 15q22.31.
Variant type: single nucleotide variant.
Coding change: c.825G>C on transcript NM_139242.4 (MANE Select); coding-DNA position 825, G replaced by C.
Protein change: p.Gln275His; replaces glutamine 275 with histidine.
Molecular consequence: missense variant.
Genome position (GRCh38, 1-based): chr15:65,006,180, C>G on the plus strand (G>C on the coding strand, the complement: MTFMT is on the minus strand). VCF-style: chr15-65006180-C-G. GRCh37 (hg19) VCF-style: chr15-65298518-C-G.
Other names: short protein forms Q275H.
Identifiers: ClinVar variation 2086393 (VCV002086393.1), dbSNP rs747614238, ClinGen allele CA392847390.